The following is an entry in ClinVar:

NM_198578.4(LRRK2):c.2385C>T (p.Ala795=)

Gene: LRRK2 (leucine rich repeat kinase 2; plus strand). Cytogenetic location: 12q12.
Variant type: single nucleotide variant.
Coding change: c.2385C>T on transcript NM_198578.4 (MANE Select); coding-DNA position 2385, C replaced by T.
Protein change: p.Ala795=; no amino-acid change (alanine 795 retained).
Molecular consequence: synonymous variant.
Genome position (GRCh38, 1-based): chr12:40,284,018, C>T. VCF-style: chr12-40284018-C-T. GRCh37 (hg19) VCF-style: chr12-40677820-C-T.
Identifiers: ClinVar variation 1790485 (VCV001790485.32), dbSNP rs201177991, ClinGen allele CA6513629.
Genomic context (GRCh38, chr12:40,284,018, plus strand): 5'-GACGATAAGCATTGGGAAAGGTGACAGCCAGATCATCAGCTTGCTCTTAAGGAGGCTGGC[C>T]CTGGATGTGGCCAACAATAGCATTTGCCTTGGAGGATTTTGTATAGGAAAAGTTGAACCT-3'
Protein context (NP_940980.4, residues 785-805): QIISLLLRRL[Ala795=]LDVANNSICL

ClinVar aggregate classification (germline): Likely benign. Review status: criteria provided, multiple submitters, no conflicts (2 of 4 stars). 3 submissions from 3 submitters: Likely benign (3). Last evaluated 2026-01-12.

Conditions:
Inborn genetic diseases. Identifiers: MedGen C0950123, MeSH D030342.
Autosomal dominant Parkinson disease 8. Also called: LRRK2-Related Parkinson Disease; Parkinson disease 8; Parkinson disease 8, susceptibility to. Identifiers: Orphanet 411602, MedGen C1846862, MONDO:0011764, OMIM 607060.

Allele frequency attached by ClinVar (database versions not stated): ExAC 0.00002; gnomAD 0.00005; gnomAD exomes 0.00005; TOPMed 0.00006.
gnomAD v4.1: 90 of 1,613,652 alleles (0.0056%); highest among the groups gnomAD compares: African/African-American, 0.008%; no homozygotes.

Submissions (3):

Labcorp Genetics (formerly Invitae), Labcorp
Classification: Likely benign for Autosomal dominant Parkinson disease 8. Last evaluated: 2026-01-12. Review status: criteria provided, single submitter. Criteria: Invitae Variant Classification Sherloc (09022015). Collection method: clinical testing. Allele origin: germline.

CeGaT Center for Human Genetics Tuebingen
Classification: Likely benign. Last evaluated: 2023-07-01. Review status: criteria provided, single submitter. Criteria: CeGaT Center For Human Genetics Tuebingen Variant Classification Criteria Version 2. Collection method: clinical testing. Allele origin: germline. Affected: yes. Observed: 1 variant allele.
Comment: LRRK2: BP4, BP7

Ambry Genetics
Classification: Likely benign for Inborn genetic diseases. Last evaluated: 2022-02-15. Review status: criteria provided, single submitter. Criteria: Ambry Variant Classification Scheme 2023. Collection method: clinical testing. Allele origin: germline.